The following is an entry in ClinVar:

NM_001130987.2(DYSF):c.568G>T (p.Glu190Ter)

Gene: DYSF (dysferlin; plus strand). Cytogenetic location: 2p13.2.
Variant type: single nucleotide variant.
Coding change: c.568G>T on transcript NM_001130987.2 (MANE Select); coding-DNA position 568, G replaced by T.
Protein change: p.Glu190Ter; replaces glutamic acid 190 with a stop codon.
Molecular consequence: nonsense.
Genome position (GRCh38, 1-based): chr2:71,513,730, G>T. VCF-style: chr2-71513730-G-T. GRCh37 (hg19) VCF-style: chr2-71740860-G-T.
Other names: c.475G>T, p.Glu159Ter (NM_001130455.2, NM_001130983.2, NM_001130984.2 and 1 more transcripts); c.472G>T, p.Glu158Ter (NM_001130976.2, NM_001130977.2, NM_001130978.2 and 1 more transcripts); c.565G>T, p.Glu189Ter (NM_001130979.2, NM_001130980.2, NM_001130981.2); c.568G>T, p.Glu190Ter (NM_001130982.2, NM_001130985.2); short protein forms E158*, E159*, E189*, E190*.
Identifiers: ClinVar variation 4815147 (VCV004815147.1).

ClinVar aggregate classification (germline): Likely pathogenic (1 of 4 stars; one submission).

Conditions:
Autosomal recessive limb-girdle muscular dystrophy type 2B (LGMDR2). Also called: MUSCULAR DYSTROPHY, LIMB-GIRDLE, TYPE 3; MUSCULAR DYSTROPHY, LIMB-GIRDLE, AUTOSOMAL RECESSIVE 2; Limb-Girdle Muscular Dystrophy Type 2B (LGMD2B); Limb-girdle muscular dystrophy, type 2B. Identifiers: Orphanet 268, MedGen C1850889, MONDO:0009676, OMIM 253601.

Submission:

Natera, Inc.
Classification: Likely pathogenic for Limb-girdle muscular dystrophy type 2B. Last evaluated: 2025-09-30. Review status: criteria provided, single submitter. Criteria: Natera Variant Classification Schema (03/2026). Collection method: clinical testing. Allele origin: germline.
Comment: The c.472G>T variant in DYSF is a nonsense variant predicted to introduce a stop codon at amino acid 158. This variant is expected to result in nonsense mediated decay, truncation, or a dysfunctional protein product. This variant is rare in the general population with a frequency below the threshold expected for the associated phenotype(s). Given the available evidence, this variant is classified as Likely Pathogenic.